The following is an entry in ClinVar:

NM_018089.3(ANKZF1):c.94G>C (p.Val32Leu)

Gene: ANKZF1 (ankyrin repeat and zinc finger peptidyl tRNA hydrolase 1; plus strand). Cytogenetic location: 2q35.
Variant type: single nucleotide variant.
Coding change: c.94G>C on transcript NM_018089.3 (MANE Select); coding-DNA position 94, G replaced by C.
Protein change: p.Val32Leu; replaces valine 32 with leucine.
Molecular consequence: missense variant. On other transcripts: intron variant (1).
Genome position (GRCh38, 1-based): chr2:219,230,351, G>C. VCF-style: chr2-219230351-G-C. GRCh37 (hg19) VCF-style: chr2-220095073-G-C.
Other names: c.94G>C, p.Val32Leu (NM_001042410.2); c.-267+451G>C (NM_001282792.2); short protein forms V32L.
Identifiers: ClinVar variation 2817042 (VCV002817042.3), dbSNP rs2544903941, ClinGen allele CA350670071.

ClinVar aggregate classification (germline): Uncertain significance (1 of 4 stars; one submission).

Submission:

Labcorp Genetics (formerly Invitae), Labcorp
Classification: Uncertain significance. Last evaluated: 2022-11-28. Review status: criteria provided, single submitter. Criteria: Invitae Variant Classification Sherloc (09022015). Collection method: clinical testing. Allele origin: germline.
Comment: In summary, the available evidence is currently insufficient to determine the role of this variant in disease. Therefore, it has been classified as a Variant of Uncertain Significance. Algorithms developed to predict the effect of sequence changes on RNA splicing suggest that this variant may disrupt the consensus splice site. Algorithms developed to predict the effect of missense changes on protein structure and function (SIFT, PolyPhen-2, Align-GVGD) all suggest that this variant is likely to be tolerated. This variant has not been reported in the literature in individuals affected with ANKZF1-related conditions. This variant is not present in population databases (gnomAD no frequency). This sequence change replaces valine, which is neutral and non-polar, with leucine, which is neutral and non-polar, at codon 32 of the ANKZF1 protein (p.Val32Leu).